The following is an entry in ClinVar:

NM_005732.4(RAD50):c.251T>C (p.Leu84Pro)

Gene: RAD50 (RAD50 double strand break repair protein; plus strand). Cytogenetic location: 5q31.1.
Variant type: single nucleotide variant.
Coding change: c.251T>C on transcript NM_005732.4 (MANE Select); coding-DNA position 251, T replaced by C.
Protein change: p.Leu84Pro; replaces leucine 84 with proline.
Molecular consequence: missense variant.
Genome position (GRCh38, 1-based): chr5:132,575,814, T>C. VCF-style: chr5-132575814-T-C. GRCh37 (hg19) VCF-style: chr5-131911506-T-C.
Other names: short protein forms L84P.
Identifiers: ClinVar variation 1999623 (VCV001999623.4), dbSNP rs2479608028, ClinGen allele CA360930493.
Genomic context (GRCh38, chr5:132,575,814, plus strand): 5'-TTTTTCTGTGTTTTCCTTCAAAGGTTGCTCAAGAAACAGATGTGAGAGCCCAGATTCGTC[T>C]GCAATTTCGTGATGTCAATGGAGAACTTATAGCTGTGCAAAGATCTATGGTGTGTACTCA-3'
Protein context (NP_005723.2, residues 74-94): QETDVRAQIR[Leu84Pro]QFRDVNGELI

ClinVar aggregate classification (germline): Uncertain significance (1 of 4 stars; one submission).

Conditions:
Hereditary cancer-predisposing syndrome. Also called: Neoplastic Syndromes, Hereditary; Hereditary neoplastic syndrome; Tumor predisposition; Hereditary Cancer Syndrome. Identifiers: Orphanet 140162, MedGen C0027672, MeSH D009386, MONDO:0015356.

Submission:

Labcorp Genetics (formerly Invitae), Labcorp
Classification: Uncertain significance for Hereditary cancer-predisposing syndrome. Last evaluated: 2022-05-27. Review status: criteria provided, single submitter. Criteria: Invitae Variant Classification Sherloc (09022015). Collection method: clinical testing. Allele origin: germline.
Comment: In summary, the available evidence is currently insufficient to determine the role of this variant in disease. Therefore, it has been classified as a Variant of Uncertain Significance. Algorithms developed to predict the effect of missense changes on protein structure and function (SIFT, PolyPhen-2, Align-GVGD) all suggest that this variant is likely to be disruptive. This variant has not been reported in the literature in individuals affected with RAD50-related conditions. This variant is not present in population databases (gnomAD no frequency). This sequence change replaces leucine, which is neutral and non-polar, with proline, which is neutral and non-polar, at codon 84 of the RAD50 protein (p.Leu84Pro).